The following is an entry in ClinVar:

ClinVar aggregate classification (germline): Benign/Likely benign. Review status: criteria provided, multiple submitters, no conflicts (2 of 4 stars). 2 submissions from 2 submitters: Benign (1); Likely benign (1). Last evaluated 2025-03-04.

Conditions:
Multiple endocrine neoplasia, type 1 (MEN1). Also called: MEA I; MEN I; WERMER SYNDROME; Endocrine adenomatosis multiple; MEN 1. Identifiers: Orphanet 652, MedGen C0025267, MeSH D018761, MONDO:0007540, OMIM 131100.

Allele frequency attached by ClinVar (database versions not stated): ExAC 0.00001.

Submissions (2):

Center for Genomic Medicine, Rigshospitalet, Copenhagen University Hospital
Classification: Likely benign. Last evaluated: 2025-03-04. Review status: criteria provided, single submitter. Criteria: ACMG Guidelines, 2015. Collection method: clinical testing. Allele origin: germline.

Myriad Genetics, Inc.
Classification: Benign for Multiple endocrine neoplasia, type 1. Last evaluated: 2024-11-05. Review status: criteria provided, single submitter. Criteria: Myriad Autosomal Dominant, Autosomal Recessive and X-Linked Classification Criteria (2023). Collection method: clinical testing. Allele origin: unknown.
Comment: This variant is considered benign. This variant occurs in the non-coding 3' untranslated region of the gene, and is not expected to impact protein function.

NM_001370259.2(MEN1):c.*3T>A

Gene: MEN1 (menin 1; minus strand). Cytogenetic location: 11q13.1.
Variant type: single nucleotide variant.
Coding change: c.*3T>A on transcript NM_001370259.2 (MANE Select); 3 bases downstream of the stop codon, T replaced by A.
Molecular consequence: 3 prime UTR variant.
Genome position (GRCh38, 1-based): chr11:64,804,331, A>T on the plus strand (T>A on the coding strand, the complement: MEN1 is on the minus strand). VCF-style: chr11-64804331-A-T. GRCh37 (hg19) VCF-style: chr11-64571803-A-T.
Other names: c.*3T>A (NM_000244.4, NM_001370251.2, NM_001370260.2 and 20 more transcripts).
Identifiers: ClinVar variation 1802788 (VCV001802788.6), dbSNP rs769076890, ClinGen allele CA061114.
Genomic context (GRCh38, chr11:64,804,331, plus strand): 5'-TCAGAGTTGGGGGACTAAGGGCGGAGCCTGGGTCCCCACAAGCGGTCCGAAGTCCCCAGT[A>T]GTTCAGAGGCCTTTGCGCTGCCGCTTGAGGAAAGACAGAGTGTAGTCACTAGGGGTGGAC-3'